The following is an entry in ClinVar:

NM_000540.3(RYR1):c.14801A>T (p.Gln4934Leu)

Gene: RYR1 (ryanodine receptor 1; plus strand). Cytogenetic location: 19q13.2.
Variant type: single nucleotide variant.
Coding change: c.14801A>T on transcript NM_000540.3 (MANE Select); coding-DNA position 14801, A replaced by T.
Protein change: p.Gln4934Leu; replaces glutamine 4934 with leucine.
Molecular consequence: missense variant.
Genome position (GRCh38, 1-based): chr19:38,585,097, A>T. VCF-style: chr19-38585097-A-T. GRCh37 (hg19) VCF-style: chr19-39075737-A-T.
Other names: c.14786A>T, p.Gln4929Leu (NM_001042723.2); short protein forms Q4934L, Q4929L.
Identifiers: ClinVar variation 2865439 (VCV002865439.3), dbSNP rs1568611775, ClinGen allele CA405691199.
Genomic context (GRCh38, chr19:38,585,097, plus strand): 5'-GGGTGGTCTTCGACATCACCTTCTTCTTCTTCGTCATCGTCATCCTGTTGGCCATCATCC[A>T]GGGTCAGTGCTGGGAGTGGGCGCTCAGGGCCCGGAGGCAGGCTAGCTCCATGGCTAAGAA-3'
Protein context (NP_000531.2, residues 4924-4944): FVIVILLAII[Gln4934Leu]GLIIDAFGEL

ClinVar aggregate classification (germline): Likely pathogenic (1 of 4 stars; one submission).

Conditions:
RYR1-related disorder. Also called: RYR1-related condition; RYR1-related disorders. Identifiers: MedGen CN239331.

Submission:

Labcorp Genetics (formerly Invitae), Labcorp
Classification: Likely pathogenic for RYR1-related disorder. Last evaluated: 2023-07-19. Review status: criteria provided, single submitter. Criteria: Invitae Variant Classification Sherloc (09022015). Collection method: clinical testing. Allele origin: germline.
Comment: In summary, the currently available evidence indicates that the variant is pathogenic, but additional data are needed to prove that conclusively. Therefore, this variant has been classified as Likely Pathogenic. An algorithm developed to predict the effect of missense changes on protein structure and function (PolyPhen-2) suggests that this variant is likely to be tolerated. This missense change has been observed in individual(s) with clinical features consistent with central core disease (Invitae). In at least one individual the variant was observed to be de novo. This variant is not present in population databases (gnomAD no frequency). This sequence change replaces glutamine, which is neutral and polar, with leucine, which is neutral and non-polar, at codon 4934 of the RYR1 protein (p.Gln4934Leu).